The following is an entry in ClinVar:

ClinVar aggregate classification (germline): Uncertain significance. Review status: criteria provided, multiple submitters, no conflicts (2 of 4 stars). 2 submissions from 2 submitters: Uncertain significance (2). Last evaluated 2024-08-05.

Conditions:
Inborn genetic diseases. Identifiers: MedGen C0950123, MeSH D030342.

Allele frequency attached by ClinVar (database versions not stated): gnomAD 0.00001; TOPMed 0.00001.

Submissions (2):

Ambry Genetics
Classification: Uncertain significance for Inborn genetic diseases. Last evaluated: 2024-08-05. Review status: criteria provided, single submitter. Criteria: Ambry Variant Classification Scheme 2023. Collection method: clinical testing. Allele origin: germline.

Labcorp Genetics (formerly Invitae), Labcorp
Classification: Uncertain significance. Last evaluated: 2024-05-06. Review status: criteria provided, single submitter. Criteria: Invitae Variant Classification Sherloc (09022015). Collection method: clinical testing. Allele origin: germline.
Comment: This sequence change replaces serine, which is neutral and polar, with asparagine, which is neutral and polar, at codon 598 of the KIAA0753 protein (p.Ser598Asn). The frequency data for this variant in the population databases is considered unreliable, as metrics indicate poor data quality at this position in the gnomAD database. This variant has not been reported in the literature in individuals affected with KIAA0753-related conditions. ClinVar contains an entry for this variant (Variation ID: 2155962). Algorithms developed to predict the effect of missense changes on protein structure and function output the following: SIFT: "Not Available"; PolyPhen-2: "Benign"; Align-GVGD: "Not Available". The asparagine amino acid residue is found in multiple mammalian species, which suggests that this missense change does not adversely affect protein function. In summary, the available evidence is currently insufficient to determine the role of this variant in disease. Therefore, it has been classified as a Variant of Uncertain Significance.

NM_014804.3(KIAA0753):c.1793G>A (p.Ser598Asn)

Gene: KIAA0753 (KIAA0753; minus strand). Cytogenetic location: 17p13.1.
Variant type: single nucleotide variant.
Coding change: c.1793G>A on transcript NM_014804.3 (MANE Select); coding-DNA position 1793, G replaced by A.
Protein change: p.Ser598Asn; replaces serine 598 with asparagine.
Molecular consequence: missense variant. On other transcripts: non-coding transcript variant (3).
Genome position (GRCh38, 1-based): chr17:6,608,384, C>T on the plus strand (G>A on the coding strand, the complement: KIAA0753 is on the minus strand). VCF-style: chr17-6608384-C-T. GRCh37 (hg19) VCF-style: chr17-6511704-C-T.
Other names: c.896G>A, p.Ser299Asn (NM_001351225.2); c.1793G>A (NM_014804.2); short protein forms S598N, S299N.
Identifiers: ClinVar variation 2155962 (VCV002155962.4), dbSNP rs940901182, ClinGen allele CA287350304.